The following is an entry in ClinVar:

ClinVar aggregate classification (germline): Likely benign (1 of 4 stars; one submission).

Allele frequency attached by ClinVar (database versions not stated): 1000 Genomes Project 30x 0.00234; 1000 Genomes Project 0.00260.
gnomAD v4.1: 8,336 of 1,571,470 alleles (0.53%); highest among the groups gnomAD compares: Non-Finnish European, 0.61%; 48 homozygotes.

Submission:

CeGaT Center for Human Genetics Tuebingen
Classification: Likely benign. Last evaluated: 2023-01-01. Review status: criteria provided, single submitter. Criteria: CeGaT Center For Human Genetics Tuebingen Variant Classification Criteria Version 2. Collection method: clinical testing. Allele origin: germline. Affected: yes. Observed: 1 variant allele.
Comment: DNAJA4: BP4, BS2

NM_001130182.2(DNAJA4):c.-14C>T

Gene: DNAJA4 (DnaJ heat shock protein family (Hsp40) member A4; plus strand). Cytogenetic location: 15q25.1.
Variant type: single nucleotide variant.
Coding change: c.-14C>T on transcript NM_001130182.2 (MANE Select); 14 bases upstream of the start codon, C replaced by T.
Molecular consequence: 5 prime UTR variant. On other transcripts: non-coding transcript variant (5), intron variant (4).
Genome position (GRCh38, 1-based): chr15:78,264,750, C>T. VCF-style: chr15-78264750-C-T. GRCh37 (hg19) VCF-style: chr15-78557092-C-T.
Other names: c.-14C>T (NM_001387386.1, NM_001387387.1); c.81-7C>T (NM_018602.4); c.-7-7C>T (NM_001387385.1, NM_001387384.1, NM_001387388.1).
Identifiers: ClinVar variation 2645609 (VCV002645609.24), dbSNP rs578060742, ClinGen allele CA7681605.